The following is an entry in ClinVar:

NM_020458.4(TTC7A):c.1138G>A (p.Ala380Thr)

Gene: TTC7A (tetratricopeptide repeat domain 7A; plus strand). Cytogenetic location: 2p21.
Variant type: single nucleotide variant.
Coding change: c.1138G>A on transcript NM_020458.4 (MANE Select); coding-DNA position 1138, G replaced by A.
Protein change: p.Ala380Thr; replaces alanine 380 with threonine.
Molecular consequence: missense variant.
Genome position (GRCh38, 1-based): chr2:47,005,994, G>A. VCF-style: chr2-47005994-G-A. GRCh37 (hg19) VCF-style: chr2-47233133-G-A.
Other names: c.1138G>A (NM_020458.2); c.1138G>A, p.Ala380Thr (LRG_1323t1, NM_001288951.2); c.1036G>A, p.Ala346Thr (NM_001288953.2); c.76G>A, p.Ala26Thr (NM_001288955.2); short protein forms A380T, A346T, A26T.
Identifiers: ClinVar variation 528459 (VCV000528459.14), dbSNP rs115479276, ClinGen allele CA1647509.

ClinVar aggregate classification (germline): Conflicting classifications of pathogenicity. Review status: criteria provided, conflicting classifications (1 of 4 stars). 3 submissions from 3 submitters: Uncertain significance (2); Likely benign (1). Last evaluated 2026-01-23.

Conditions:
Multiple gastrointestinal atresias. Also called: FAMILIAL INTESTINAL POLYATRESIA SYNDROME; Multiple intestinal atresia. Identifiers: Orphanet 2300, MedGen C0220744, MONDO:0009465.
Inborn genetic diseases. Identifiers: MedGen C0950123, MeSH D030342.

Allele frequency attached by ClinVar (database versions not stated): gnomAD exomes 0.00014 and 0.00022; gnomAD 0.00082 and 0.00072; ExAC 0.00022; 1000 Genomes Project 0.00040; 1000 Genomes Project 30x 0.00062; TOPMed 0.00073; ESP Exome Variant Server 0.00077.
gnomAD v4.1: 320 of 1,614,072 alleles (0.02%); highest among the groups gnomAD compares: African/African-American, 0.24%; 1 homozygote.

Submissions (3):

GeneDx
Classification: Uncertain significance. Last evaluated: 2026-01-23. Review status: criteria provided, single submitter. Criteria: GeneDx Variant Classification Process June 2021. Collection method: clinical testing. Allele origin: germline.
Comment: In silico analysis suggests that this missense variant does not alter protein structure/function; Has not been previously published as pathogenic or benign to our knowledge

Labcorp Genetics (formerly Invitae), Labcorp
Classification: Likely benign for Multiple gastrointestinal atresias. Last evaluated: 2026-01-22. Review status: criteria provided, single submitter. Criteria: Invitae Variant Classification Sherloc (09022015). Collection method: clinical testing. Allele origin: germline.

Ambry Genetics
Classification: Uncertain significance for Inborn genetic diseases. Last evaluated: 2024-03-08. Review status: criteria provided, single submitter. Criteria: Ambry Variant Classification Scheme 2023. Collection method: clinical testing. Allele origin: germline.